The following is an entry in ClinVar:

ClinVar aggregate classification (germline): Uncertain significance. Review status: criteria provided, multiple submitters, no conflicts (2 of 4 stars). 3 submissions from 3 submitters: Uncertain significance (3). Last evaluated 2024-03-25.

Conditions:
Hereditary cancer-predisposing syndrome. Also called: Tumor predisposition; Neoplastic Syndromes, Hereditary; Hereditary Cancer Syndrome; Hereditary neoplastic syndrome. Identifiers: Orphanet 140162, MedGen C0027672, MeSH D009386, MONDO:0015356.

Allele frequency attached by ClinVar (database versions not stated): gnomAD exomes below 0.00001; TOPMed below 0.00001.
gnomAD v4.1: 1 of 1,613,440 alleles (0.000062%); highest among the groups gnomAD compares: African/African-American, 0.0013%; no homozygotes.

Submissions (3):

Ambry Genetics
Classification: Uncertain significance for Hereditary cancer-predisposing syndrome. Last evaluated: 2024-03-25. Review status: criteria provided, single submitter. Criteria: Ambry Variant Classification Scheme 2023. Collection method: clinical testing. Allele origin: germline.
Comment: The p.Q212H variant (also known as c.636G>C), located in coding exon 5 of the FH gene, results from a G to C substitution at nucleotide position 636. The glutamine at codon 212 is replaced by histidine, an amino acid with highly similar properties. This amino acid position is conserved. In addition, the in silico prediction for this alteration is inconclusive. Based on the available evidence, the clinical significance of this alteration remains unclear.

Labcorp Genetics (formerly Invitae), Labcorp
Classification: Uncertain significance. Last evaluated: 2023-06-29. Review status: criteria provided, single submitter. Criteria: Invitae Variant Classification Sherloc (09022015). Collection method: clinical testing. Allele origin: germline.
Comment: This sequence change replaces glutamine, which is neutral and polar, with histidine, which is basic and polar, at codon 212 of the FH protein (p.Gln212His). This variant is present in population databases (no rsID available, gnomAD 0.007%). This variant has not been reported in the literature in individuals affected with FH-related conditions. ClinVar contains an entry for this variant (Variation ID: 1308824). Advanced modeling of protein sequence and biophysical properties (such as structural, functional, and spatial information, amino acid conservation, physicochemical variation, residue mobility, and thermodynamic stability) performed at Invitae indicates that this missense variant is not expected to disrupt FH protein function. In summary, the available evidence is currently insufficient to determine the role of this variant in disease. Therefore, it has been classified as a Variant of Uncertain Significance.

GeneDx
Classification: Uncertain significance. Last evaluated: 2019-09-24. Review status: criteria provided, single submitter. Criteria: GeneDx Variant Classification Process June 2021. Collection method: clinical testing. Allele origin: germline. Affected: yes.
Comment: Not observed at a significant frequency in large population cohorts (Lek 2016); In silico analysis, which includes protein predictors and evolutionary conservation, supports that this variant does not alter protein structure/function; Has not been previously published as pathogenic or benign to our knowledge

NM_000143.4(FH):c.636G>C (p.Gln212His)

Gene: FH (fumarate hydratase; minus strand). Cytogenetic location: 1q43.
Variant type: single nucleotide variant.
Coding change: c.636G>C on transcript NM_000143.4 (MANE Select); coding-DNA position 636, G replaced by C.
Protein change: p.Gln212His; replaces glutamine 212 with histidine.
Molecular consequence: missense variant.
Genome position (GRCh38, 1-based): chr1:241,508,705, C>G on the plus strand (G>C on the coding strand, the complement: FH is on the minus strand). VCF-style: chr1-241508705-C-G. GRCh37 (hg19) VCF-style: chr1-241672005-C-G.
Other names: short protein forms Q212H.
Identifiers: ClinVar variation 1308824 (VCV001308824.6), dbSNP rs1270956851, ClinGen allele CA345439347.